The following is an entry in ClinVar:

NM_023067.4(FOXL2):c.308G>T (p.Arg103Leu)

Gene: FOXL2 (forkhead box L2; minus strand). Cytogenetic location: 3q22.3.
Variant type: single nucleotide variant.
Coding change: c.308G>T on transcript NM_023067.4 (MANE Select); coding-DNA position 308, G replaced by T.
Protein change: p.Arg103Leu; replaces arginine 103 with leucine.
Molecular consequence: missense variant.
Genome position (GRCh38, 1-based): chr3:138,946,415, C>A on the plus strand (G>T on the coding strand, the complement: FOXL2 is on the minus strand). VCF-style: chr3-138946415-C-A. GRCh37 (hg19) VCF-style: chr3-138665257-C-A.
Other names: short protein forms R103L.
Identifiers: ClinVar variation 369901 (VCV000369901.1), dbSNP rs1057516152, ClinGen allele CA10654893.

ClinVar aggregate classification (germline): Uncertain significance (1 of 4 stars; one submission).

Conditions:
Blepharophimosis, ptosis, and epicanthus inversus syndrome. Identifiers: Orphanet 126, MedGen C0220663, MONDO:0007201, OMIM 110100.

Submission:

Genomic Diagnostic Laboratory, Division of Genomic Diagnostics, Children's Hospital of Philadelphia
Classification: Uncertain significance for Blepharophimosis, ptosis, and epicanthus inversus syndrome. Last evaluated: 2016-11-03. Review status: criteria provided, single submitter. Criteria: DGD Variant Analysis Guidelines. Collection method: clinical testing. Allele origin: germline. Affected: yes. Observed: 1 variant allele.
Comment: Clinical Testing